The following is an entry in ClinVar:

ClinVar aggregate classification (germline): Uncertain significance (1 of 4 stars; one submission).

gnomAD v4.1: 2 of 1,613,642 alleles (0.00012%); highest among the groups gnomAD compares: African/African-American, 0.0027%; no homozygotes.

Submission:

Labcorp Genetics (formerly Invitae), Labcorp
Classification: Uncertain significance. Last evaluated: 2025-03-16. Review status: criteria provided, single submitter. Criteria: Invitae Variant Classification Sherloc (09022015). Collection method: clinical testing. Allele origin: germline.
Comment: This sequence change replaces isoleucine, which is neutral and non-polar, with leucine, which is neutral and non-polar, at codon 1750 of the PHIP protein (p.Ile1750Leu). This variant is not present in population databases (gnomAD no frequency). This variant has not been reported in the literature in individuals affected with PHIP-related conditions. Invitae Evidence Modeling of protein sequence and biophysical properties (such as structural, functional, and spatial information, amino acid conservation, physicochemical variation, residue mobility, and thermodynamic stability) indicates that this missense variant is not expected to disrupt PHIP protein function with a negative predictive value of 95%. In summary, the available evidence is currently insufficient to determine the role of this variant in disease. Therefore, it has been classified as a Variant of Uncertain Significance.

NM_017934.7(PHIP):c.5248A>T (p.Ile1750Leu)

Genes: IRAK1BP1 (interleukin 1 receptor associated kinase 1 binding protein 1; plus strand), PHIP (PHIP subunit of CUL4-Ring ligase complex; minus strand). Cytogenetic location: 6q14.1.
Variant type: single nucleotide variant.
Coding change: c.5248A>T on transcript NM_017934.7 (MANE Select); coding-DNA position 5248, A replaced by T.
Protein change: p.Ile1750Leu; replaces isoleucine 1750 with leucine.
Molecular consequence: missense variant.
Genome position (GRCh38, 1-based): chr6:78,940,911, T>A on the plus strand (A>T on the coding strand, the complement: PHIP is on the minus strand). VCF-style: chr6-78940911-T-A. GRCh37 (hg19) VCF-style: chr6-79650628-T-A.
Other names: short protein forms I1750L.
Identifiers: ClinVar variation 4746740 (VCV004746740.1).